The following is an entry in ClinVar:

NM_001005273.3(CHD3):c.4510G>A (p.Glu1504Lys)

Gene: CHD3 (chromodomain helicase DNA binding protein 3; plus strand). Cytogenetic location: 17p13.1.
Variant type: single nucleotide variant.
Coding change: c.4510G>A on transcript NM_001005273.3 (MANE Select); coding-DNA position 4510, G replaced by A.
Protein change: p.Glu1504Lys; replaces glutamic acid 1504 with lysine.
Molecular consequence: missense variant.
Genome position (GRCh38, 1-based): chr17:7,906,875, G>A. VCF-style: chr17-7906875-G-A. GRCh37 (hg19) VCF-style: chr17-7810193-G-A.
Other names: c.4675G>A, p.Glu1559Lys (NM_001437509.1, NM_001437507.1, NM_001437508.1); c.4510G>A, p.Glu1504Lys (NM_005852.4); c.4687G>A, p.Glu1563Lys (NM_001005271.3, NM_001437504.1); short protein forms E1504K, E1559K, E1563K.
Identifiers: ClinVar variation 4686300 (VCV004686300.1).

ClinVar aggregate classification (germline): Uncertain significance (1 of 4 stars; one submission).

Submission:

GeneDx
Classification: Uncertain significance. Last evaluated: 2025-07-15. Review status: criteria provided, single submitter. Criteria: GeneDx Variant Classification Process June 2021. Collection method: clinical testing. Allele origin: germline. Affected: yes.
Comment: Not observed at significant frequency in large population cohorts (gnomAD); In silico analysis supports that this missense variant has a deleterious effect on protein structure/function; Has not been previously published as pathogenic or benign to our knowledge